The following is an entry in ClinVar:

ClinVar aggregate classification (germline): Uncertain significance (1 of 4 stars; one submission).

Conditions:
Methylcobalamin deficiency type cblG (HMAG). Also called: HOMOCYSTINURIA-MEGALOBLASTIC ANEMIA, cblG TYPE; Functional methionine synthase deficiency type cblG; HOMOCYSTINURIA-MEGALOBLASTIC ANEMIA, cblG COMPLEMENTATION TYPE; HOMOCYSTINURIA-MEGALOBLASTIC ANEMIA DUE TO DEFECT IN COBALAMIN METABOLISM, cblG COMPLEMENTATION TYPE. Identifiers: Orphanet 2170, Orphanet 622, MedGen C1855128, MONDO:0009609, OMIM 250940.

Submission:

Labcorp Genetics (formerly Invitae), Labcorp
Classification: Uncertain significance for Methylcobalamin deficiency type cblG. Last evaluated: 2020-03-31. Review status: criteria provided, single submitter. Criteria: Invitae Variant Classification Sherloc (09022015). Collection method: clinical testing. Allele origin: germline.
Comment: In summary, the available evidence is currently insufficient to determine the role of this variant in disease. Therefore, it has been classified as a Variant of Uncertain Significance. Algorithms developed to predict the effect of sequence changes on RNA splicing suggest that this variant may create or strengthen a splice site, but this prediction has not been confirmed by published transcriptional studies. Algorithms developed to predict the effect of missense changes on protein structure and function output the following: SIFT: "Tolerated"; PolyPhen-2: "Benign"; Align-GVGD: "Class C0". The glycine amino acid residue is found in multiple mammalian species, suggesting that this missense change does not adversely affect protein function. These predictions have not been confirmed by published functional studies and their clinical significance is uncertain. This variant has not been reported in the literature in individuals with MTR-related conditions. This variant is not present in population databases (ExAC no frequency). This sequence change replaces aspartic acid with glycine at codon 1011 of the MTR protein (p.Asp1011Gly). The aspartic acid residue is moderately conserved and there is a moderate physicochemical difference between aspartic acid and glycine.

NM_000254.3(MTR):c.3032A>G (p.Asp1011Gly)

Gene: MTR (5-methyltetrahydrofolate-homocysteine methyltransferase; plus strand). Cytogenetic location: 1q43.
Variant type: single nucleotide variant.
Coding change: c.3032A>G on transcript NM_000254.3 (MANE Select); coding-DNA position 3032, A replaced by G.
Protein change: p.Asp1011Gly; replaces aspartic acid 1011 with glycine.
Molecular consequence: missense variant.
Genome position (GRCh38, 1-based): chr1:236,891,157, A>G. VCF-style: chr1-236891157-A-G. GRCh37 (hg19) VCF-style: chr1-237054457-A-G.
Other names: c.2879A>G, p.Asp960Gly (NM_001291939.1); c.1811A>G, p.Asp604Gly (NM_001291940.2); short protein forms D1011G, D604G, D960G.
Identifiers: ClinVar variation 1044684 (VCV001044684.8), dbSNP rs1666296405, ClinGen allele CA345386839.